The following is an entry in ClinVar:

ClinVar aggregate classification (germline): Uncertain significance (1 of 4 stars; one submission).

Conditions:
Autosomal recessive ataxia, Beauce type. Also called: SYNE1 Deficiency; Spinocerebellar ataxia, autosomal recessive 8; ATAXIA, RECESSIVE, OF BEAUCE; SYNE1-Related Autosomal Recessive Cerebellar Ataxia. Identifiers: Orphanet 88644, MedGen C1853116, MONDO:0012549, OMIM 610743.
Emery-Dreifuss muscular dystrophy 4, autosomal dominant (EDMD4). Also called: EMERY-DREIFUSS MUSCULAR DYSTROPHY 4 WITH VARIABLE FEATURES. Identifiers: Orphanet 261, MedGen C2751807, MONDO:0013071, OMIM 612998.

Allele frequency attached by ClinVar (database versions not stated): gnomAD 0.00001; TOPMed 0.00001.
gnomAD v4.1: 1 of 1,613,948 alleles (0.000062%); highest among the groups gnomAD compares: African/African-American, 0.0013%; no homozygotes.

Submission:

Labcorp Genetics (formerly Invitae), Labcorp
Classification: Uncertain significance for Emery-Dreifuss muscular dystrophy 4, autosomal dominant; Autosomal recessive ataxia, Beauce type. Last evaluated: 2022-07-11. Review status: criteria provided, single submitter. Criteria: Invitae Variant Classification Sherloc (09022015). Collection method: clinical testing. Allele origin: germline.
Comment: In summary, the available evidence is currently insufficient to determine the role of this variant in disease. Therefore, it has been classified as a Variant of Uncertain Significance. Algorithms developed to predict the effect of missense changes on protein structure and function (SIFT, PolyPhen-2, Align-GVGD) all suggest that this variant is likely to be disruptive. This variant has not been reported in the literature in individuals affected with SYNE1-related conditions. This variant is not present in population databases (gnomAD no frequency). This sequence change replaces methionine, which is neutral and non-polar, with threonine, which is neutral and polar, at codon 4450 of the SYNE1 protein (p.Met4450Thr).

NM_182961.4(SYNE1):c.13562T>C (p.Met4521Thr)

Gene: SYNE1 (spectrin repeat containing nuclear envelope protein 1; minus strand). Cytogenetic location: 6q25.2.
Variant type: single nucleotide variant.
Coding change: c.13562T>C on transcript NM_182961.4 (MANE Select); coding-DNA position 13562, T replaced by C.
Protein change: p.Met4521Thr; replaces methionine 4521 with threonine.
Molecular consequence: missense variant.
Genome position (GRCh38, 1-based): chr6:152,331,123, A>G on the plus strand (T>C on the coding strand, the complement: SYNE1 is on the minus strand). VCF-style: chr6-152331123-A-G. GRCh37 (hg19) VCF-style: chr6-152652258-A-G.
Other names: c.13349T>C, p.Met4450Thr (NM_033071.5); short protein forms M4450T, M4521T.
Identifiers: ClinVar variation 2007195 (VCV002007195.4), dbSNP rs2096238910, ClinGen allele CA366101261.